The following is an entry in ClinVar:

NM_001060.6(TBXA2R):c.*4G>T

Gene: TBXA2R (thromboxane A2 receptor; minus strand). Cytogenetic location: 19p13.3.
Variant type: single nucleotide variant.
Coding change: c.*4G>T on transcript NM_001060.6 (MANE Select); 4 bases downstream of the stop codon, G replaced by T.
Molecular consequence: 3 prime UTR variant. On other transcripts: intron variant (1).
Genome position (GRCh38, 1-based): chr19:3,595,684, C>A on the plus strand (G>T on the coding strand, the complement: TBXA2R is on the minus strand). VCF-style: chr19-3595684-C-A. GRCh37 (hg19) VCF-style: chr19-3595682-C-A.
Other names: c.983+53G>T (NM_201636.3).
Identifiers: ClinVar variation 3040933 (VCV003040933.2), dbSNP rs1281149007, ClinGen allele CA403329546.

ClinVar aggregate classification (germline): Likely benign (0 of 4 stars; one submission).

Conditions:
TBXA2R-related disorder. Also called: TBXA2R-related condition.

Allele frequency attached by ClinVar (database versions not stated): TOPMed below 0.00001; gnomAD 0.00001.

Submission:

PreventionGenetics, part of Exact Sciences
Classification: Likely benign for TBXA2R-related condition. Last evaluated: 2019-09-10. Review status: no assertion criteria provided. Collection method: clinical testing. Allele origin: germline.
Comment: This variant is classified as likely benign based on ACMG/AMP sequence variant interpretation guidelines (Richards et al. 2015 PMID: 25741868, with internal and published modifications).